The following is an entry in ClinVar:

ClinVar aggregate classification (germline): Pathogenic/Likely pathogenic. Review status: criteria provided, multiple submitters, no conflicts (2 of 4 stars). 3 submissions from 3 submitters: Pathogenic (2); Likely pathogenic (1). Last evaluated 2025-10-28.

Conditions:
CRX-related disorder. Also called: CRX-related condition.
CRX-related disorders.
Cone-rod dystrophy 2 (CORD2). Also called: CONE-ROD RETINAL DYSTROPHY; Cone-rod retinal dystrophy 2. Identifiers: Orphanet 1872, MedGen C3489532, MONDO:0007362, OMIM 120970.

Submissions (3):

PreventionGenetics, part of Exact Sciences
Classification: Pathogenic for CRX-related condition. Last evaluated: 2025-10-28. Review status: criteria provided, single submitter. Criteria: ACMG Guidelines, 2015. Collection method: clinical testing. Allele origin: germline.
Comment: The CRX c.239A>G variant is predicted to result in the amino acid substitution p.Glu80Gly. This variant has been reported as segregating with disease in a large three-generation family with cone rod dystrophy (Huang et al. 2012. PubMed ID: 22960069). Alternate missense changes impacting the same amino acid (p.Glu80Ala and p.Glu80Lys) have also been reported in the heterozygous state in individuals with cone rod dystrophy (Freund et al. 1997. PubMed ID: 9390563; Table S1, Ma et al. 2021. PubMed ID: 33691693). This variant is absent in a large population database (gnomAD), indicating it is rare. Given the evidence, we interpret this variant as pathogenic for autosomal dominant disease.

Blueprint Genetics
Classification: Pathogenic for CRX-related disorders. Last evaluated: 2024-09-03. Review status: criteria provided, single submitter. Criteria: ACMG Guidelines, 2015. Collection method: clinical testing. Allele origin: germline. Affected: yes. Observed: 2 variant alleles.

Juno Genomics, Hangzhou Juno Genomics, Inc
Classification: Likely pathogenic for Cone-rod dystrophy 2. Review status: criteria provided, single submitter. Criteria: ACMG Guidelines, 2015. Collection method: clinical testing. Allele origin: germline.
Comment: Absent from controls (or at extremely low frequency if recessive) in Genome Aggregation Database.;Multiple lines of computational evidence support a deleterious effect on the gene or gene product.;Co-segregation with disease in multiple affected family members.;The prevalence of the variant in affected individuals is significantly increased compared to the prevalence in controls.

NM_000554.6(CRX):c.239A>G (p.Glu80Gly)

Gene: CRX (cone-rod homeobox; plus strand). Cytogenetic location: 19q13.33.
Variant type: single nucleotide variant.
Coding change: c.239A>G on transcript NM_000554.6 (MANE Select); coding-DNA position 239, A replaced by G.
Protein change: p.Glu80Gly; replaces glutamic acid 80 with glycine.
Molecular consequence: missense variant.
Genome position (GRCh38, 1-based): chr19:47,836,381, A>G. VCF-style: chr19-47836381-A-G. GRCh37 (hg19) VCF-style: chr19-48339638-A-G.
Other names: short protein forms E80G.
Identifiers: ClinVar variation 865803 (VCV000865803.5), dbSNP rs104894671, ClinGen allele CA406629839.